The following is an entry in ClinVar:

ClinVar aggregate classification (germline): Uncertain significance (1 of 4 stars; one submission).

Submission:

Labcorp Genetics (formerly Invitae), Labcorp
Classification: Uncertain significance. Last evaluated: 2023-01-07. Review status: criteria provided, single submitter. Criteria: Invitae Variant Classification Sherloc (09022015). Collection method: clinical testing. Allele origin: unknown.
Comment: In summary, the available evidence is currently insufficient to determine the role of this variant in disease. Therefore, it has been classified as a Variant of Uncertain Significance. This variant has not been reported in the literature in individuals affected with ATP6V1E1-related conditions. A copy number gain of the genomic region encompassing the full coding sequence of the ATP6V1E1 gene has been identified. The boundaries of this event are unknown as they extend beyond the assayed region for this gene and therefore may encompass additional genes. As the precise location of this event is unknown, it may be in tandem or it may be located elsewhere in the genome.

NC_000022.10:g.(?_17565982)_(18613903_?)dup

Genes: ADA2 (adenosine deaminase 2; minus strand), ATP6V1E1 (ATPase H+ transporting V1 subunit E1; minus strand), BCL2L13 (BCL2 like 13; plus strand), BID (BH3 interacting domain death agonist; minus strand), CECR2 (CECR2 histone acetyl-lysine reader; plus strand) and 8 more. Cytogenetic location: 22q11.1-11.21.
Variant type: Duplication.
Identifiers: ClinVar variation 3248073 (VCV003248073.1).